The following is an entry in ClinVar:

NM_014874.4(MFN2):c.674_680del (p.Leu225fs)

Gene: MFN2 (mitofusin 2; plus strand). Cytogenetic location: 1p36.22.
Variant type: Deletion.
Coding change: c.674_680del on transcript NM_014874.4 (MANE Select); coding-DNA positions 674 to 680, 7 bases deleted (TGGTGGC; older notation c.674_680delTGGTGGC).
Protein change: p.Leu225fs; shifts the reading frame from leucine 225.
Molecular consequence: frameshift variant.
Genome position (GRCh38, 1-based): chr1:11,998,844-11,998,850, TGGTGGC deleted; deleting any 7 consecutive bases within chr1:11,998,842-11,998,850 gives the same sequence; the c. name uses the placement nearest the transcript's 3' end. VCF-style (leftmost placement, unchanged base first): chr1-11998841-TGCTGGTG-T. GRCh37 (hg19) VCF-style: chr1-12058898-TGCTGGTG-T.
Other names: c.674_680del, p.Leu225fs (NM_001127660.2); c.674_680delTGGTGGC (NM_014874.3); short protein forms L225fs.
Identifiers: ClinVar variation 408319 (VCV000408319.11), dbSNP rs1060501915, ClinGen allele CA16609878.

ClinVar aggregate classification (germline): Pathogenic. Review status: criteria provided, multiple submitters, no conflicts (2 of 4 stars). 2 submissions from 2 submitters: Pathogenic (2). Last evaluated 2023-06-30.

Conditions:
Inborn genetic diseases. Identifiers: MedGen C0950123, MeSH D030342.
Charcot-Marie-Tooth disease type 2. Also called: Charcot-Marie-Tooth type 2. Identifiers: Orphanet 64746, MedGen C0270914, MONDO:0018993.

Submissions (2):

Labcorp Genetics (formerly Invitae), Labcorp
Classification: Pathogenic for Charcot-Marie-Tooth disease type 2. Last evaluated: 2023-06-30. Review status: criteria provided, single submitter. Criteria: Invitae Variant Classification Sherloc (09022015). Collection method: clinical testing. Allele origin: germline.
Comment: This sequence change creates a premature translational stop signal (p.Leu225Profs*7) in the MFN2 gene. It is expected to result in an absent or disrupted protein product. Loss-of-function variants in MFN2 are known to be pathogenic (PMID: 16714318, 16835246, 21715711, 23781337, 26955893). This variant is not present in population databases (gnomAD no frequency). This variant has not been reported in the literature in individuals affected with MFN2-related conditions. ClinVar contains an entry for this variant (Variation ID: 408319). Algorithms developed to predict the effect of sequence changes on RNA splicing suggest that this variant may disrupt the consensus splice site. For these reasons, this variant has been classified as Pathogenic.

Ambry Genetics
Classification: Pathogenic for Inborn genetic diseases. Last evaluated: 2016-09-29. Review status: criteria provided, single submitter. Criteria: Ambry exome assertion method (8-5-2015). Collection method: clinical testing. Allele origin: germline. Affected: yes. Observed: 1 variant allele.

Literature cited by the submitters: PubMed 16714318 (cited by Labcorp Genetics (formerly Invitae), Labcorp); PubMed 16835246 (cited by Labcorp Genetics (formerly Invitae), Labcorp); PubMed 21715711 (cited by Labcorp Genetics (formerly Invitae), Labcorp); PubMed 23781337 (cited by Labcorp Genetics (formerly Invitae), Labcorp); PubMed 26955893 (cited by Labcorp Genetics (formerly Invitae), Labcorp).